The following is an entry in ClinVar:

NM_000038.6(APC):c.1409-1G>A

Gene: APC (APC regulator of Wnt signaling pathway; plus strand). Cytogenetic location: 5q22.2.
Variant type: single nucleotide variant.
Coding change: c.1409-1G>A on transcript NM_000038.6 (MANE Select); the canonical splice acceptor site of the intron before coding-DNA position 1409, G replaced by A.
Molecular consequence: splice acceptor variant.
Genome position (GRCh38, 1-based): chr5:112,827,107, G>A. VCF-style: chr5-112827107-G-A. GRCh37 (hg19) VCF-style: chr5-112162804-G-A.
Other names: c.560-1G>A (NM_001407470.1, NM_001354906.2); c.257-1G>A (NM_001407472.1, NM_001407471.1); c.1463-1G>A (NM_001407447.1, NM_001407448.1, NM_001407449.1 and 1 more transcripts); c.1409-1G>A (NM_001354895.2, NM_001407450.1, NM_001127510.3); c.1160-1G>A (NM_001407456.1, NM_001407457.1, NM_001407455.1 and 1 more transcripts); c.1106-1G>A (NM_001407460.1, NM_001407458.1, NM_001407459.1 and 1 more transcripts); c.1379-1G>A (NM_001407452.1); c.1022-1G>A (NM_001407469.1, NM_001407467.1); and 11 more.
Identifiers: ClinVar variation 433621 (VCV000433621.20), dbSNP rs863225313, ClinGen allele CA360619890.
Genomic context (GRCh38, chr5:112,827,107, plus strand): 5'-TTGGTACCAGTTTGTTTTATTTTAGATGATTGTCTTTTTCCTCTTGCCCTTTTTAAATTA[G>A]GGGGACTACAGGCCATTGCAGAATTATTGCAAGTGGACTGTGAAATGTATGGGCTTACTA-3'

ClinVar aggregate classification (germline): Pathogenic/Likely pathogenic. Review status: criteria provided, multiple submitters, no conflicts (2 of 4 stars). 6 submissions from 6 submitters: Pathogenic (4); Likely pathogenic (1). 1 of the submissions does not count toward it. Last evaluated 2025-03-04.
ClinVar aggregate classification (oncogenicity): Oncogenic (1 of 4 stars; one submission).

Conditions:
Familial adenomatous polyposis 1 (FAP1). Also called: POLYPOSIS, ADENOMATOUS INTESTINAL; FAMILIAL ADENOMATOUS POLYPOSIS 1, ATTENUATED. Identifiers: MedGen C2713442, MONDO:0021056, OMIM 175100. Disease mechanism: loss of function.
Hereditary cancer-predisposing syndrome. Also called: Hereditary Cancer Syndrome; Hereditary neoplastic syndrome; Neoplastic Syndromes, Hereditary; Tumor predisposition. Identifiers: Orphanet 140162, MedGen C0027672, MeSH D009386, MONDO:0015356.
Neoplasm. Also called: Neoplasms; Neoplasm (disease); tumor. Identifiers: MedGen C0027651, MeSH D009369, MONDO:0005070, HP:0002664.

Submissions (7):

Center for Genomic Medicine, Rigshospitalet, Copenhagen University Hospital
Classification: Pathogenic. Last evaluated: 2025-03-04. Review status: criteria provided, single submitter. Criteria: ACMG Guidelines, 2015. Collection method: clinical testing. Allele origin: germline.

Center for Genomic Medicine, Rigshospitalet, Copenhagen University Hospital
Classification: Oncogenic for Neoplasm. Last evaluated: 2025-03-04. Review status: criteria provided, single submitter. Criteria: ClinGen/CGC/VICC Guidelines for Oncogenicity, 2022. Collection method: clinical testing. Allele origin: somatic. Affected: yes.

Ambry Genetics
Classification: Pathogenic for Hereditary cancer-predisposing syndrome. Last evaluated: 2024-09-24. Review status: criteria provided, single submitter. Criteria: Ambry Variant Classification Scheme 2023. Collection method: clinical testing. Allele origin: germline.
Comment: The c.1409-1G>A intronic pathogenic mutation results from a G to A substitution one nucleotide upstream from coding exon 11 of the APC gene. This pathogenic mutation has been reported in multiple FAP families, and it has been shown to create a new acceptor splice site one base pair downstream with a lower splicing efficiency but no indication of exon skipping (Ambry internal data; Wallis YL et al. J Med Genet. 1999 Jan;36(1):14-20; Aretz S et al. Hum Mutat. 2004 Nov;24(5):370-80). This nucleotide position is highly conserved in available vertebrate species. In silico splice site analysis predicts that this alteration will weaken the native splice acceptor site and will result in the creation or strengthening of a novel splice acceptor site. In addition to the clinical data presented in the literature, alterations that disrupt the canonical splice site are expected to cause aberrant splicing, resulting in an abnormal protein or a transcript that is subject to nonsense-mediated mRNA decay. As such, this alteration is classified as pathogenic.

GeneDx
Classification: Pathogenic. Last evaluated: 2024-06-14. Review status: criteria provided, single submitter. Criteria: GeneDx Variant Classification Process June 2021. Collection method: clinical testing. Allele origin: germline. Affected: yes.
Comment: Canonical splice site variant demonstrated to result in a null allele in a gene for which loss of function is a known mechanism of disease (PMID: 15459959); Not observed at significant frequency in large population cohorts (gnomAD); This variant is associated with the following publications: (PMID: 9950360, 15459959, 19036155, 20685668)

Labcorp Genetics (formerly Invitae), Labcorp
Classification: Pathogenic for Familial adenomatous polyposis 1. Last evaluated: 2024-04-01. Review status: criteria provided, single submitter. Criteria: Invitae Variant Classification Sherloc (09022015). Collection method: clinical testing. Allele origin: germline.
Comment: This sequence change affects an acceptor splice site in intron 11 of the APC gene. RNA analysis indicates that disruption of this splice site induces altered splicing and may result in an absent or disrupted protein product. This variant is not present in population databases (gnomAD no frequency). Disruption of this splice site has been observed in individuals with familial adenomatous polyposis (FAP) (PMID: 9950360, 15459959, 19036155, 20685668; Invitae). ClinVar contains an entry for this variant (Variation ID: 433621). Studies have shown that disruption of this splice site results in the creation of a novel acceptor site and introduces a premature termination codon (PMID: 15459959). The resulting mRNA is expected to undergo nonsense-mediated decay. For these reasons, this variant has been classified as Pathogenic.

Myriad Genetics, Inc.
Classification: Likely pathogenic for Familial adenomatous polyposis 1. Last evaluated: 2023-05-01. Review status: criteria provided, single submitter. Criteria: Myriad Autosomal Dominant, Autosomal Recessive and X-Linked Classification Criteria (2023). Collection method: clinical testing. Allele origin: unknown.
Comment: This variant is considered likely pathogenic. This variant occurs within a consensus splice junction and is predicted to result in abnormal mRNA splicing of either an out-of-frame exon or an in-frame exon necessary for protein stability and/or normal function. Functional studies indicate this variant impacts protein function [PMID: 15459959].

Department of Pathology and Laboratory Medicine, Sinai Health System
Classification: Pathogenic. Review status: no assertion criteria provided. Collection method: clinical testing. Allele origin: unknown. Affected: yes. Study: The Canadian Open Genetics Repository (COGR). Not counted in ClinVar's aggregate classification.
Comment: The c.1409-1G>A variant has been identified in the literature in 2 of 2244 proband chromosomes from individuals with FAP and non-FAP colorectal carcinoma (Aretz 2004, Wallis 1999), although no control chromosomes were tested to establish the prevalence of the variant in the general population. It is predicted to cause abnormal splicing because the nucleotide substitution occurs in the -1 position of the splice consensus sequence, and a G at this position is required for normal splicing. In summary, based on the above information, this variant is classified as pathogenic.

Literature cited by the submitters: PubMed 15459959 (cited by 4 submitters); PubMed 9950360 (cited by 3 submitters); PubMed 19036155 (cited by Labcorp Genetics (formerly Invitae), Labcorp); PubMed 20685668 (cited by Labcorp Genetics (formerly Invitae), Labcorp).